The following is an entry in ClinVar:

NM_001267550.2(TTN):c.105233_105234del (p.Ser35078fs)

Genes: TTN-AS1 (TTN antisense RNA 1; plus strand), TTN (titin; minus strand). Cytogenetic location: 2q31.2.
Variant type: Deletion.
Coding change: c.105233_105234del on transcript NM_001267550.2 (MANE Select); coding-DNA positions 105233 to 105234, 2 bases deleted (CT; older notation c.105233_105234delCT).
Protein change: p.Ser35078fs; shifts the reading frame from serine 35078.
Molecular consequence: frameshift variant.
Genome position (GRCh38, 1-based): chr2:178,531,381-178,531,382, AG deleted on the plus strand (CT on the coding strand, the reverse complement: TTN is on the minus strand); deleting any 2 consecutive bases within chr2:178,531,381-178,531,383 gives the same sequence; the c. name uses the placement nearest the transcript's 3' end. VCF-style (leftmost placement, unchanged base first): chr2-178531380-CAG-C. GRCh37 (hg19) VCF-style: chr2-179396107-CAG-C.
Other names: c.100310_100311del, p.Ser33437fs (NM_001256850.1); c.78038_78039del, p.Ser26013fs (NM_003319.4); c.97529_97530del, p.Ser32510fs (NM_133378.4); c.78413_78414del, p.Ser26138fs (NM_133432.3); c.78614_78615del, p.Ser26205fs (NM_133437.4); short protein forms S26013fs, S26138fs, S26205fs, S32510fs, S33437fs, S35078fs.
Identifiers: ClinVar variation 3756274 (VCV003756274.2).

ClinVar aggregate classification (germline): Likely pathogenic (1 of 4 stars; one submission).

Conditions:
Dilated cardiomyopathy 1G (CMD1G). Identifiers: Orphanet 154, MedGen C1858763, MONDO:0011400, OMIM 604145.
Autosomal recessive limb-girdle muscular dystrophy type 2J (LGMDR10). Also called: Limb-girdle muscular dystrophy, type 2J; MUSCULAR DYSTROPHY, LIMB-GIRDLE, AUTOSOMAL RECESSIVE 10. Identifiers: Orphanet 140922, MedGen C1837342, MONDO:0012127, OMIM 608807.

Submission:

Labcorp Genetics (formerly Invitae), Labcorp
Classification: Likely pathogenic for Dilated cardiomyopathy 1G; Autosomal recessive limb-girdle muscular dystrophy type 2J. Last evaluated: 2024-05-09. Review status: criteria provided, single submitter. Criteria: Invitae Variant Classification Sherloc (09022015). Collection method: clinical testing. Allele origin: germline.
Comment: This sequence change creates a premature translational stop signal (p.Ser35078Cysfs*19) in the TTN gene. While this is not anticipated to result in nonsense mediated decay, it is expected to create a truncated TTN protein. This variant is not present in population databases (gnomAD no frequency). This variant has not been reported in the literature in individuals affected with TTN-related conditions. This variant is located in the M band of TTN (PMID: 25589632). Truncating variants in this region have been previously reported in individuals affected with autosomal recessive myopathy and muscular dystrophy (PMID: 18948003, 23975875, 24395473). Truncating variants in this region have also been identified in individuals affected with autosomal dominant dilated cardiomyopathy and/or cardio-related conditions (PMID: 27869827, 32964742, Invitae internal data). In summary, the currently available evidence indicates that the variant is pathogenic, but additional data are needed to prove that conclusively. Therefore, this variant has been classified as Likely Pathogenic.

Literature cited by the submitters: PubMed 25589632; PubMed 18948003; PubMed 23975875; PubMed 24395473; PubMed 27869827; PubMed 32964742.